The following is an entry in ClinVar:

NM_001692.4(ATP6V1B1):c.988G>A (p.Glu330Lys)

Gene: ATP6V1B1 (ATPase H+ transporting V1 subunit B1; plus strand). Cytogenetic location: 2p13.3.
Variant type: single nucleotide variant.
Coding change: c.988G>A on transcript NM_001692.4 (MANE Select); coding-DNA position 988, G replaced by A.
Protein change: p.Glu330Lys; replaces glutamic acid 330 with lysine.
Molecular consequence: missense variant.
Genome position (GRCh38, 1-based): chr2:70,963,240, G>A. VCF-style: chr2-70963240-G-A. GRCh37 (hg19) VCF-style: chr2-71190370-G-A.
Other names: c.988G>A (NM_001692.3); short protein forms E330K.
Identifiers: ClinVar variation 2734208 (VCV002734208.11), dbSNP rs781800676, ClinGen allele CA1701213.
Genomic context (GRCh38, chr2:70,963,240, plus strand): 5'-GAGGTGCCTGGGCGCCGAGGGTTTCCTGGATATATGTACACAGACCTGGCCACCATCTAC[G>A]AGCGGGCGGGCCGCGTGGAGGGTCGGGGAGGATCCATCACACAGATCCCCATCCTCACCA-3'
Protein context (NP_001683.2, residues 320-340): YMYTDLATIY[Glu330Lys]RAGRVEGRGG

ClinVar aggregate classification (germline): Conflicting classifications of pathogenicity. Review status: criteria provided, conflicting classifications (1 of 4 stars). 8 submissions from 8 submitters: Pathogenic (1); Likely pathogenic (4); Uncertain significance (2). 1 of the submissions does not count toward it. Last evaluated 2025-12-22.

Conditions:
Renal tubular acidosis with progressive nerve deafness. Also called: Distal Renal Tubular Acidosis with Progressive Sensorineural Deafness; RENAL TUBULAR ACIDOSIS, AUTOSOMAL RECESSIVE, WITH PROGRESSIVE NERVE DEAFNESS; RTA WITH PROGRESSIVE NERVE DEAFNESS; renal tubular acidosis, distal, 2, with progressive sensorineural hearing loss. Identifiers: MedGen C0403554, MONDO:0009968, OMIM 267300.
Renal tubulopathies.

Allele frequency attached by ClinVar (database versions not stated): gnomAD 0.00001.
gnomAD v4.1: 56 of 1,613,836 alleles (0.0035%); highest among the groups gnomAD compares: Admixed American, 0.005%; no homozygotes.

Submissions (8):

Labcorp Genetics (formerly Invitae), Labcorp
Classification: Pathogenic. Last evaluated: 2025-12-22. Review status: criteria provided, single submitter. Criteria: Invitae Variant Classification Sherloc (09022015). Collection method: clinical testing. Allele origin: germline.
Comment: This sequence change replaces glutamic acid, which is acidic and polar, with lysine, which is basic and polar, at codon 330 of the ATP6V1B1 protein (p.Glu330Lys). This variant is present in population databases (rs781800676, gnomAD 0.007%). This missense change has been observed in individual(s) with distal renal tubular acidosis (PMID: 17216496, 29725771, 36964972). In at least one individual the data is consistent with being in trans (on the opposite chromosome) from a pathogenic variant. ClinVar contains an entry for this variant (Variation ID: 2734208). Invitae Evidence Modeling of protein sequence and biophysical properties (such as structural, functional, and spatial information, amino acid conservation, physicochemical variation, residue mobility, and thermodynamic stability) indicates that this missense variant is expected to disrupt ATP6V1B1 protein function with a positive predictive value of 80%. For these reasons, this variant has been classified as Pathogenic.

Genetics Laboratory, Great Ormond Street Hospital NHS Foundation Trust, North Thames Genomic Laboratory Hub
Classification: Uncertain significance for Renal tubulopathies. Last evaluated: 2025-10-23. Review status: criteria provided, single submitter. Criteria: ACGS Best Practice Guidelines for Variant Classification in Rare Disease 2024 v1.2. Collection method: clinical testing. Allele origin: germline. Affected: yes.
Comment: PM2_moderate, PP3_supporting, PM3_moderate

Natera, Inc.
Classification: Likely pathogenic for Renal tubular acidosis with progressive nerve deafness. Last evaluated: 2025-10-16. Review status: criteria provided, single submitter. Criteria: Natera Variant Classification Schema (03/2026). Collection method: clinical testing. Allele origin: germline.
Comment: The c.988G>A variant in ATP6V1B1 is a missense variant predicted to cause substitution of glutamic acid to lysine at amino acid 330. This variant is rare in the general population with a frequency below the threshold expected for the associated phenotype(s). This variant has been observed in one or more individuals affected with the associated recessive disease, as either homozygous or compound heterozygous with a second variant (PMID: 36964972, 17216496). Computational prediction algorithms indicate this variant is likely to affect gene or protein function. Given the available evidence, this variant is classified as Likely Pathogenic.

GeneDx
Classification: Likely pathogenic. Last evaluated: 2025-06-03. Review status: criteria provided, single submitter. Criteria: GeneDx Variant Classification Process June 2021. Collection method: clinical testing. Allele origin: germline. Affected: yes.
Comment: Not observed at significant frequency in large population cohorts (gnomAD); In silico analysis supports that this missense variant has a deleterious effect on protein structure/function; This variant is associated with the following publications: (PMID: 20622307, 34426522, 21614596, 36964972, 29725771, 17216496)

Myriad Genetics, Inc.
Classification: Likely pathogenic for Renal tubular acidosis with progressive nerve deafness. Last evaluated: 2025-03-21. Review status: criteria provided, single submitter. Criteria: Myriad Autosomal Dominant, Autosomal Recessive and X-Linked Classification Criteria (2023). Collection method: clinical testing. Allele origin: unknown.
Comment: NM_001692.3(ATP6V1B1):c.988G>A(E330K) is a missense variant classified as likely pathogenic in the context of distal renal tubular acidosis with deafness, ATP6V1B1-related. E330K has been observed in cases with relevant disease (PMID: 17216496, 36964972). Relevant functional assessments of this variant are not available in the literature. Internal structural analysis of the variant is supportive of pathogenicity. E330K has been observed in referenced population frequency databases. In summary, NM_001692.3(ATP6V1B1):c.988G>A(E330K) is a missense variant that has internal structural support for pathogenicity and has been observed more frequently in cases with the relevant disease than in healthy populations. Please note: this variant was assessed in the context of healthy population screening.

Fulgent Genetics
Classification: Likely pathogenic for Renal tubular acidosis with progressive nerve deafness. Last evaluated: 2024-05-23. Review status: criteria provided, single submitter. Criteria: ACMG Guidelines, 2015. Collection method: clinical testing. Allele origin: germline.

Blueprint Genetics
Classification: Uncertain significance. Last evaluated: 2019-11-13. Review status: criteria provided, single submitter. Criteria: ACMG Guidelines, 2015. Collection method: clinical testing. Allele origin: germline.

Laboratory of Research in Genomics, Genetics and Bioinformatics, Hospital Infantil de Mexico Federico Gomez
Classification: Pathogenic for Renal tubular acidosis with progressive nerve deafness. Last evaluated: 2025-04-08. Review status: no assertion criteria provided. Collection method: research. Allele origin: germline. Affected: yes. Not counted in ClinVar's aggregate classification.

Literature cited by the submitters: PubMed 17216496 (cited by 3 submitters); PubMed 29725771 (cited by Labcorp Genetics (formerly Invitae), Labcorp); PubMed 36964972 (cited by 3 submitters).